The following is an entry in ClinVar:

ClinVar aggregate classification (germline): Uncertain significance. Review status: criteria provided, multiple submitters, no conflicts (2 of 4 stars). 2 submissions from 2 submitters: Uncertain significance (2). Last evaluated 2025-06-24.

Conditions:
ABCB1-related disorder. Also called: ABCB1-related condition.

gnomAD v4.1: 121 of 1,613,614 alleles (0.0075%); highest among the groups gnomAD compares: Middle Eastern, 0.033%; 1 homozygote.

Submissions (2):

PreventionGenetics, part of Exact Sciences
Classification: Uncertain significance for ABCB1-related condition. Last evaluated: 2025-06-24. Review status: criteria provided, single submitter. Criteria: ACMG Guidelines, 2015. Collection method: clinical testing. Allele origin: germline.
Comment: The ABCB1 c.2962G>A variant is predicted to result in the amino acid substitution p.Val988Met. To our knowledge, this variant has not been reported in the literature. This variant is reported in 0.020% of alleles in individuals of African descent in gnomAD. At this time, the clinical significance of this variant is uncertain due to the absence of conclusive functional and genetic evidence.

Ambry Genetics
Classification: Uncertain significance. Last evaluated: 2024-12-11. Review status: criteria provided, single submitter. Criteria: Ambry Variant Classification Scheme 2023. Collection method: clinical testing. Allele origin: germline.

NM_001348946.2(ABCB1):c.2962G>A (p.Val988Met)

Gene: ABCB1 (ATP binding cassette subfamily B member 1; minus strand). Cytogenetic location: 7q21.12.
Variant type: single nucleotide variant.
Coding change: c.2962G>A on transcript NM_001348946.2 (MANE Select); coding-DNA position 2962, G replaced by A.
Protein change: p.Val988Met; replaces valine 988 with methionine.
Molecular consequence: missense variant.
Genome position (GRCh38, 1-based): chr7:87,516,631, C>T on the plus strand (G>A on the coding strand, the complement: ABCB1 is on the minus strand). VCF-style: chr7-87516631-C-T. GRCh37 (hg19) VCF-style: chr7-87145947-C-T.
Other names: c.2962G>A, p.Val988Met (NM_000927.5, NM_001348944.2); c.3172G>A, p.Val1058Met (NM_001348945.2); short protein forms V1058M, V988M.
Identifiers: ClinVar variation 3861034 (VCV003861034.2).
Genomic context (GRCh38, chr7:87,516,631, plus strand): 5'-TGTGGGCTGCTGATATTTTGGCTTTGGCATAGTCAGGAGCAAATGAACTGACTTGCCCCA[C>T]GGCCATGGCACCAAAGACAACAGCTGAAAATACTCTGGAAAGCACAAACACAAAACATGT-3'
Protein context (NP_001335875.1, residues 978-998): FSAVVFGAMA[Val988Met]GQVSSFAPDY